The following is an entry in ClinVar:

ClinVar aggregate classification (germline): Uncertain significance. Review status: criteria provided, multiple submitters, no conflicts (2 of 4 stars). 3 submissions from 3 submitters: Uncertain significance (3). Last evaluated 2026-04-14.

Conditions:
Familial intrahepatic cholestasis. Identifiers: Orphanet 284385, MedGen CN296401, MONDO:0017290.

Submissions (3):

Genomenon, Inc
Classification: Uncertain significance for Familial intrahepatic cholestasis. Last evaluated: 2026-04-14. Review status: criteria provided, single submitter. Criteria: Genomenon Sequence Variant Interpretation Standards - Updated. Collection method: curation. Allele origin: germline. Affected: yes.
Comment: ABCB11 p.Val1159Ala (c.3476T>C) is a missense variant that changes the amino acid at residue 1159 from Valine to Alanine. This variant has been observed in at least one proband with an ABCB11-related disorder (PMID:34016879). It is absent or not present at a significant frequency in gnomAD. In silico models predict that this variant is possibly or probably damaging. In conclusion, we classify ABCB11 p.Val1159Ala (c.3476T>C) as a variant of uncertain significance.

Labcorp Genetics (formerly Invitae), Labcorp
Classification: Uncertain significance. Last evaluated: 2024-04-29. Review status: criteria provided, single submitter. Criteria: Invitae Variant Classification Sherloc (09022015). Collection method: clinical testing. Allele origin: germline.
Comment: This sequence change replaces valine, which is neutral and non-polar, with alanine, which is neutral and non-polar, at codon 1159 of the ABCB11 protein (p.Val1159Ala). This variant is not present in population databases (gnomAD no frequency). This missense change has been observed in individual(s) with cholestasis (PMID: 34016879). ClinVar contains an entry for this variant (Variation ID: 594919). Advanced modeling of protein sequence and biophysical properties (such as structural, functional, and spatial information, amino acid conservation, physicochemical variation, residue mobility, and thermodynamic stability) performed at Invitae indicates that this missense variant is expected to disrupt ABCB11 protein function with a positive predictive value of 95%. In summary, the available evidence is currently insufficient to determine the role of this variant in disease. Therefore, it has been classified as a Variant of Uncertain Significance.

Eurofins Ntd Llc (ga)
Classification: Uncertain significance. Last evaluated: 2017-11-09. Review status: criteria provided, single submitter. Criteria: EGL Classification Definitions 2015. Collection method: clinical testing. Allele origin: germline. Observed: 1 variant allele, 1 heterozygote.

Literature cited by the submitters: PubMed 34016879 (cited by Genomenon, Inc and Labcorp Genetics (formerly Invitae), Labcorp).

NM_003742.4(ABCB11):c.3476T>C (p.Val1159Ala)

Gene: ABCB11 (ATP binding cassette subfamily B member 11; minus strand). Cytogenetic location: 2q31.1.
Variant type: single nucleotide variant.
Coding change: c.3476T>C on transcript NM_003742.4 (MANE Select); coding-DNA position 3476, T replaced by C.
Protein change: p.Val1159Ala; replaces valine 1159 with alanine.
Molecular consequence: missense variant.
Genome position (GRCh38, 1-based): chr2:168,927,298, A>G on the plus strand (T>C on the coding strand, the complement: ABCB11 is on the minus strand). VCF-style: chr2-168927298-A-G. GRCh37 (hg19) VCF-style: chr2-169783808-A-G.
Other names: c.3476T>C, p.Val1159Ala (LRG_1199t1); short protein forms V1159A.
Identifiers: ClinVar variation 594919 (VCV000594919.8), dbSNP rs1559176523, ClinGen allele CA349119799.
Genomic context (GRCh38, chr2:168,927,298, plus strand): 5'-TTGTCTCCATACTTGATATTGTCCATTATGCTACAGGCAAACAACACTGGTTCCTGGGAA[A>G]CAATTCCAATGTTTGAGCGGAGGAACTGGACATTTACTTTTTTGCTGTCATGACCATCTA-3'
Protein context (NP_003733.2, residues 1149-1169): VQFLRSNIGI[Val1159Ala]SQEPVLFACS